The following is an entry in ClinVar:

ClinVar aggregate classification (germline): Uncertain significance. Review status: criteria provided, multiple submitters, no conflicts (2 of 4 stars). 3 submissions from 3 submitters: Uncertain significance (3). Last evaluated 2025-01-28.

Conditions:
Hypertrophic cardiomyopathy 26. Also called: Cardiomyopathy, familial hypertrophic, 26. Identifiers: Orphanet 75249, MedGen C4310749, MONDO:0014883, OMIM 617047.
Myofibrillar myopathy 5. Also called: FILAMINOPATHY, AUTOSOMAL DOMINANT; Filaminopathy (type). Identifiers: Orphanet 171445, MedGen C1836050, MONDO:0012289, OMIM 609524.
Distal myopathy with posterior leg and anterior hand involvement. Also called: WILLIAMS DISTAL MYOPATHY. Identifiers: Orphanet 63273, MedGen C3279722, MONDO:0013550, OMIM 614065.
Cardiovascular phenotype. Identifiers: MedGen CN230736.

Submissions (3):

Ambry Genetics
Classification: Uncertain significance for Cardiovascular phenotype. Last evaluated: 2025-01-28. Review status: criteria provided, single submitter. Criteria: Ambry Variant Classification Scheme 2023. Collection method: clinical testing. Allele origin: germline.
Comment: The p.P2400S variant (also known as c.7198C>T), located in coding exon 43 of the FLNC gene, results from a C to T substitution at nucleotide position 7198. The proline at codon 2400 is replaced by serine, an amino acid with similar properties. This amino acid position is conserved. In addition, this alteration is predicted to be deleterious by in silico analysis. Based on the available evidence, the clinical significance of this variant remains unclear.

Labcorp Genetics (formerly Invitae), Labcorp
Classification: Uncertain significance for Distal myopathy with posterior leg and anterior hand involvement; Myofibrillar myopathy 5; Hypertrophic cardiomyopathy 26. Last evaluated: 2024-12-08. Review status: criteria provided, single submitter. Criteria: Invitae Variant Classification Sherloc (09022015). Collection method: clinical testing. Allele origin: germline.
Comment: This sequence change replaces proline, which is neutral and non-polar, with serine, which is neutral and polar, at codon 2400 of the FLNC protein (p.Pro2400Ser). This variant is not present in population databases (gnomAD no frequency). This variant has not been reported in the literature in individuals affected with FLNC-related conditions. ClinVar contains an entry for this variant (Variation ID: 1311420). Invitae Evidence Modeling of protein sequence and biophysical properties (such as structural, functional, and spatial information, amino acid conservation, physicochemical variation, residue mobility, and thermodynamic stability) indicates that this missense variant is not expected to disrupt FLNC protein function with a negative predictive value of 95%. In summary, the available evidence is currently insufficient to determine the role of this variant in disease. Therefore, it has been classified as a Variant of Uncertain Significance.

GeneDx
Classification: Uncertain significance. Last evaluated: 2020-01-02. Review status: criteria provided, single submitter. Criteria: GeneDx Variant Classification Process June 2021. Collection method: clinical testing. Allele origin: germline. Affected: yes.
Comment: Has not been previously published as pathogenic or benign to our knowledge; Not observed in large population cohorts (Lek et al., 2016); In silico analysis, which includes protein predictors and evolutionary conservation, supports a deleterious effect

NM_001458.5(FLNC):c.7198C>T (p.Pro2400Ser)

Genes: FLNC (filamin C; plus strand), FLNC-AS1 (FLNC antisense RNA 1; minus strand). Cytogenetic location: 7q32.1.
Variant type: single nucleotide variant.
Coding change: c.7198C>T on transcript NM_001458.5 (MANE Select); coding-DNA position 7198, C replaced by T.
Protein change: p.Pro2400Ser; replaces proline 2400 with serine.
Molecular consequence: missense variant.
Genome position (GRCh38, 1-based): chr7:128,855,261, C>T. VCF-style: chr7-128855261-C-T. GRCh37 (hg19) VCF-style: chr7-128495315-C-T.
Other names: c.7099C>T, p.Pro2367Ser (NM_001127487.2); short protein forms P2367S, P2400S.
Identifiers: ClinVar variation 1311420 (VCV001311420.7), dbSNP rs1390223951, ClinGen allele CA369215815.